The following is an entry in ClinVar:

ClinVar aggregate classification (germline): Uncertain significance. Review status: criteria provided, multiple submitters, no conflicts (2 of 4 stars). 2 submissions from 2 submitters: Uncertain significance (2). Last evaluated 2026-02-27.

Conditions:
Mitochondrial DNA depletion syndrome 20 (mngie type). Also called: MITOCHONDRIAL NEUROGASTROINTESTINAL ENCEPHALOMYOPATHY SYNDROME, LIG3-RELATED. Identifiers: MedGen C5676934, MONDO:0030696, OMIM 619780.
Inborn genetic diseases. Identifiers: MedGen C0950123, MeSH D030342.

Submissions (2):

Dasa
Classification: Uncertain significance for Mitochondrial DNA depletion syndrome 20 (mngie type). Last evaluated: 2026-02-27. Review status: criteria provided, single submitter. Criteria: DASA Assertion Criteria. Collection method: clinical testing. Allele origin: germline.
Comment: NM_013975.4(LIG3):c.2731_2732del (p.Lys911Valfs*14) is a frameshift variant in LIG3 predicted to alter the reading frame and introduce a premature termination codon and is predicted to result in an absent or altered protein product. This variant is rare in population databases. The currently available literature and clinical evidence are not sufficient to establish a definitive association between this variant and the reported condition. Therefore, this variant is classified as a variant of uncertain significance.

Ambry Genetics
Classification: Uncertain significance for Inborn genetic diseases. Last evaluated: 2022-08-19. Review status: criteria provided, single submitter. Criteria: Ambry Variant Classification Scheme 2023. Collection method: clinical testing. Allele origin: germline.
Comment: Not expected to trigger nonsense-mediated mRNA decay Based on insufficient or conflicting evidence, the clinical significance of this alteration remains unclear.

NM_013975.4(LIG3):c.2731_2732del (p.Lys911fs)

Gene: LIG3 (DNA ligase 3; plus strand). Cytogenetic location: 17q12.
Variant type: Deletion.
Coding change: c.2731_2732del on transcript NM_013975.4 (MANE Select); coding-DNA positions 2731 to 2732, 2 bases deleted (AA; older notation c.2731_2732delAA).
Protein change: p.Lys911fs; shifts the reading frame from lysine 911.
Molecular consequence: frameshift variant.
Genome position (GRCh38, 1-based): chr17:35,002,724-35,002,725, AA deleted; deleting any 2 consecutive bases within chr17:35,002,723-35,002,725 gives the same sequence; the c. name uses the placement nearest the transcript's 3' end. VCF-style (leftmost placement, unchanged base first): chr17-35002722-CAA-C. GRCh37 (hg19) VCF-style: chr17-33329741-CAA-C.
Other names: c.2731_2732del, p.Lys911fs (NM_002311.5); short protein forms K911fs.
Identifiers: ClinVar variation 2305898 (VCV002305898.4), dbSNP rs759108464, ClinGen allele CA8498747.